The following is an entry in ClinVar:

ClinVar aggregate classification (germline): Uncertain significance (1 of 4 stars; one submission).

Conditions:
Opsismodysplasia (OPSMD). Also called: INPPL1-Related Opsismodysplasia. Identifiers: Orphanet 2746, MedGen C0432219, MONDO:0009785, OMIM 258480.

Submission:

ARUP Laboratories, Molecular Genetics and Genomics, ARUP Laboratories
Classification: Uncertain significance for Opsismodysplasia. Last evaluated: 2025-06-24. Review status: criteria provided, single submitter. Criteria: ARUP Molecular Germline Variant Investigation Process 2024. Collection method: clinical testing. Allele origin: germline.
Comment: The INPPL1 c.2439C>A; p.Ile813= variant (rs749411598), to our knowledge, is not reported in the medical literature or gene specific databases. This variant is also absent from the Genome Aggregation Database (v2.1.1), indicating it is not a common polymorphism. This is a synonymous variant in a weakly conserved nucleotide, and computational analyses (Alamut Visual Plus v.1.12) predict that this variant may impact splicing by creating a novel cryptic acceptor splice site, although RNA studies would be required to confirm this. Given the lack of clinical and functional data, the significance of this variant is uncertain at this time.

NM_001567.4(INPPL1):c.2439C>A (p.Ile813=)

Gene: INPPL1 (inositol polyphosphate phosphatase like 1; plus strand). Cytogenetic location: 11q13.4.
Variant type: single nucleotide variant.
Coding change: c.2439C>A on transcript NM_001567.4 (MANE Select); coding-DNA position 2439, C replaced by A.
Protein change: p.Ile813=; no amino-acid change (isoleucine 813 retained).
Molecular consequence: synonymous variant.
Genome position (GRCh38, 1-based): chr11:72,235,139, C>A. VCF-style: chr11-72235139-C-A. GRCh37 (hg19) VCF-style: chr11-71946183-C-A.
Other names: c.2505C>A, p.Ile835= (NM_001440434.1); c.2439C>A, p.Ile813= (NM_001440435.1, NM_001440436.1, NM_001440438.1); c.2298C>A, p.Ile766= (NM_001440437.1).
Identifiers: ClinVar variation 4685912 (VCV004685912.1).